The following is an entry in ClinVar:

ClinVar aggregate classification (germline): Pathogenic. Review status: criteria provided, multiple submitters, no conflicts (2 of 4 stars). 6 submissions from 6 submitters: Pathogenic (4). 2 of the submissions do not count toward it. Last evaluated 2025-08-13.

Conditions:
Sjögren-Larsson syndrome (SLS). Also called: FALDH DEFICIENCY; FATTY ALCOHOL:NAD+ OXIDOREDUCTASE DEFICIENCY; FATTY ALDEHYDE DEHYDROGENASE DEFICIENCY; ICHTHYOSIS, SPASTIC NEUROLOGIC DISORDER, AND OLIGOPHRENIA. Identifiers: Orphanet 816, MedGen C0037231, MONDO:0010031, OMIM 270200.

Allele frequency attached by ClinVar (database versions not stated): gnomAD 0.00001; ExAC 0.00002; TOPMed 0.00001; gnomAD exomes 0.00002.
gnomAD v4.1: 24 of 1,613,938 alleles (0.0015%); highest among the groups gnomAD compares: East Asian, 0.013%; no homozygotes.

Submissions (6):

Natera, Inc.
Classification: Pathogenic for Sjögren-Larsson syndrome. Last evaluated: 2025-08-13. Review status: criteria provided, single submitter. Criteria: Natera Variant Classification Schema (03/2026). Collection method: clinical testing. Allele origin: germline.
Comment: The c.1157A>G variant in ALDH3A2 is a missense variant predicted to cause substitution of asparagine to serine at amino acid 386. This variant is rare in the general population with a frequency below the threshold expected for the associated phenotype(s). This variant has been observed in one or more individuals affected with the associated recessive disease, as either homozygous or compound heterozygous with a second variant (PMID: 31953843, 23450279). Additionally, this variant has been observed to segregate in affected family members (PMID: 23450279). Given the available evidence, this variant is classified as Pathogenic.

Labcorp Genetics (formerly Invitae), Labcorp
Classification: Pathogenic. Last evaluated: 2024-02-05. Review status: criteria provided, single submitter. Criteria: Invitae Variant Classification Sherloc (09022015). Collection method: clinical testing. Allele origin: germline.
Comment: This sequence change replaces asparagine, which is neutral and polar, with serine, which is neutral and polar, at codon 386 of the ALDH3A2 protein (p.Asn386Ser). This variant is present in population databases (rs72547575, gnomAD 0.03%). This missense change has been observed in individual(s) with ALDH3A2-related conditions (PMID: 10792573, 21531120, 23450279, 29071827, 29159939). In at least one individual the data is consistent with being in trans (on the opposite chromosome) from a pathogenic variant. It has also been observed to segregate with disease in related individuals. ClinVar contains an entry for this variant (Variation ID: 1644). Advanced modeling of protein sequence and biophysical properties (such as structural, functional, and spatial information, amino acid conservation, physicochemical variation, residue mobility, and thermodynamic stability) performed at Invitae indicates that this missense variant is expected to disrupt ALDH3A2 protein function with a positive predictive value of 95%. For these reasons, this variant has been classified as Pathogenic.

Women's Health and Genetics/Laboratory Corporation of America, LabCorp
Classification: Pathogenic for Sjögren-Larsson syndrome. Last evaluated: 2022-09-22. Review status: criteria provided, single submitter. Criteria: LabCorp Variant Classification Summary - May 2015. Collection method: clinical testing. Allele origin: germline.
Comment: Variant summary: ALDH3A2 c.1157A>G (p.Asn386Ser) results in a conservative amino acid change located in the Aldehyde dehydrogenase domain (IPR015590) of the encoded protein sequence. Four of five in-silico tools predict a damaging effect of the variant on protein function. The variant allele was found at a frequency of 1.6e-05 in 251468 control chromosomes. c.1157A>G has been reported in the literature in multiple individuals affected with Sjogren-Larsson Syndrome (example, Aoki_2000, Nakajima_2011, Takeichi_2013, Dong_2020, Cheng_2020). These data indicate that the variant is very likely to be associated with disease. At least one publication reports experimental evidence evaluating an impact on protein function and reported a reduction in alcohol dehydrogenase activity in the skin of a homozygous affected patient, however, as primary data supporting this finding are not presented, this report does not allow convincing conclusions about the variant effect (Aoki_2000). Three clinical diagnostic laboratories have submitted clinical-significance assessments for this variant to ClinVar after 2014 without evidence for independent evaluation. All laboratories classified the variant as pathogenic/likely pathogenic. Based on the evidence outlined above, the variant was classified as pathogenic.

Juno Genomics, Hangzhou Juno Genomics, Inc
Classification: Pathogenic for Sjögren-Larsson syndrome. Review status: criteria provided, single submitter. Criteria: ACMG Guidelines, 2015. Collection method: clinical testing. Allele origin: germline.
Comment: Absent from controls (or at extremely low frequency if recessive) in Genome Aggregation Database.;Multiple lines of computational evidence support a deleterious effect on the gene or gene product.;For recessive disorders, detected in trans with a pathogenic variant.;Patient's phenotype or family history is highly specific for a disease with a single genetic etiology.

Counsyl
Classification: Likely pathogenic for Sjögren-Larsson syndrome. Last evaluated: 2018-03-13. Review status: no assertion criteria provided. Collection method: clinical testing. Allele origin: unknown. Not counted in ClinVar's aggregate classification.

OMIM
Classification: Pathogenic for SJOGREN-LARSSON SYNDROME. Last evaluated: 2000-05-01. Review status: no assertion criteria provided. Collection method: literature only. Allele origin: germline. Not counted in ClinVar's aggregate classification.

Literature cited by the submitters: PubMed 31953843 (cited by Natera, Inc. and Women's Health and Genetics/Laboratory Corporation of America, LabCorp); PubMed 23450279 (cited by 4 submitters); PubMed 10792573 (cited by 4 submitters); PubMed 21531120 (cited by 3 submitters); PubMed 29071827 (cited by Labcorp Genetics (formerly Invitae), Labcorp and Counsyl); PubMed 29159939 (cited by Labcorp Genetics (formerly Invitae), Labcorp); PubMed 32005694 (cited by Women's Health and Genetics/Laboratory Corporation of America, LabCorp).

NM_000382.3(ALDH3A2):c.1157A>G (p.Asn386Ser)

Gene: ALDH3A2 (aldehyde dehydrogenase 3 family member A2; plus strand). Cytogenetic location: 17p11.2.
Variant type: single nucleotide variant.
Coding change: c.1157A>G on transcript NM_000382.3 (MANE Select); coding-DNA position 1157, A replaced by G.
Protein change: p.Asn386Ser; replaces asparagine 386 with serine.
Molecular consequence: missense variant.
Genome position (GRCh38, 1-based): chr17:19,664,997, A>G. VCF-style: chr17-19664997-A-G. GRCh37 (hg19) VCF-style: chr17-19568310-A-G.
Other names: c.1157A>G, p.Asn386Ser (NM_001031806.2, NM_001369136.1, NM_001369137.2 and 3 more transcripts); c.578A>G, p.Asn193Ser (NM_001369148.2); short protein forms N386S, N193S.
Identifiers: ClinVar variation 1644 (VCV000001644.16), dbSNP rs72547575, ClinGen allele CA115120.